The following is an entry in ClinVar:

NM_001142800.2(EYS):c.744T>G (p.Phe248Leu)

Gene: EYS (EGF-like photoreceptor maintenance factor; minus strand). Cytogenetic location: 6q12.
Variant type: single nucleotide variant.
Coding change: c.744T>G on transcript NM_001142800.2 (MANE Select); coding-DNA position 744, T replaced by G.
Protein change: p.Phe248Leu; replaces phenylalanine 248 with leucine.
Molecular consequence: missense variant.
Genome position (GRCh38, 1-based): chr6:65,494,667, A>C on the plus strand (T>G on the coding strand, the complement: EYS is on the minus strand). VCF-style: chr6-65494667-A-C. GRCh37 (hg19) VCF-style: chr6-66204560-A-C.
Other names: c.744T>G, p.Phe248Leu (NM_001142801.2, NM_001292009.2, NM_198283.2); c.744T>G (NM_001142800.1); short protein forms F248L.
Identifiers: ClinVar variation 2193835 (VCV002193835.3), dbSNP rs768173246, ClinGen allele CA3878024.

ClinVar aggregate classification (germline): Uncertain significance. Review status: criteria provided, multiple submitters, no conflicts (2 of 4 stars). 3 submissions from 3 submitters: Uncertain significance (3). Last evaluated 2024-12-28.

Conditions:
Inborn genetic diseases. Identifiers: MedGen C0950123, MeSH D030342.

Allele frequency attached by ClinVar (database versions not stated): gnomAD 0.00001.
gnomAD v4.1: 53 of 1,559,356 alleles (0.0034%); highest among the groups gnomAD compares: Admixed American, 0.0076%; no homozygotes.

Submissions (3):

Ambry Genetics
Classification: Uncertain significance for Inborn genetic diseases. Last evaluated: 2024-12-28. Review status: criteria provided, single submitter. Criteria: Ambry Variant Classification Scheme 2023. Collection method: clinical testing. Allele origin: germline.

Blueprint Genetics
Classification: Uncertain significance. Last evaluated: 2023-12-12. Review status: criteria provided, single submitter. Criteria: ACMG Guidelines, 2015. Collection method: clinical testing. Allele origin: germline.

Labcorp Genetics (formerly Invitae), Labcorp
Classification: Uncertain significance. Last evaluated: 2022-09-01. Review status: criteria provided, single submitter. Criteria: Invitae Variant Classification Sherloc (09022015). Collection method: clinical testing. Allele origin: germline.
Comment: This sequence change replaces phenylalanine, which is neutral and non-polar, with leucine, which is neutral and non-polar, at codon 248 of the EYS protein (p.Phe248Leu). This variant is present in population databases (rs768173246, gnomAD 0.008%). This variant has not been reported in the literature in individuals affected with EYS-related conditions. Algorithms developed to predict the effect of missense changes on protein structure and function are either unavailable or do not agree on the potential impact of this missense change (SIFT: "Deleterious"; PolyPhen-2: "Benign"; Align-GVGD: "Class C15"). In summary, the available evidence is currently insufficient to determine the role of this variant in disease. Therefore, it has been classified as a Variant of Uncertain Significance.